The following is an entry in ClinVar:

NM_004548.3(NDUFB10):c.210G>A (p.Glu70=)

Gene: NDUFB10 (NADH:ubiquinone oxidoreductase subunit B10; plus strand). Cytogenetic location: 16p13.3.
Variant type: single nucleotide variant.
Coding change: c.210G>A on transcript NM_004548.3 (MANE Select); coding-DNA position 210, G replaced by A.
Protein change: p.Glu70=; no amino-acid change (glutamic acid 70 retained).
Molecular consequence: synonymous variant.
Genome position (GRCh38, 1-based): chr16:1,961,232, G>A. VCF-style: chr16-1961232-G-A. GRCh37 (hg19) VCF-style: chr16-2011233-G-A.
Identifiers: ClinVar variation 1879319 (VCV001879319.29), dbSNP rs147356577, ClinGen allele CA7823282.

ClinVar aggregate classification (germline): Likely benign (1 of 4 stars; one submission).

Allele frequency attached by ClinVar (database versions not stated): 1000 Genomes Project 30x 0.00047; 1000 Genomes Project 0.00060.
gnomAD v4.1: 25 of 1,614,122 alleles (0.0015%); highest among the groups gnomAD compares: African/African-American, 0.025%; no homozygotes.

Submission:

CeGaT Center for Human Genetics Tuebingen
Classification: Likely benign. Last evaluated: 2022-10-01. Review status: criteria provided, single submitter. Criteria: CeGaT Center For Human Genetics Tuebingen Variant Classification Criteria Version 2. Collection method: clinical testing. Allele origin: germline. Affected: yes. Observed: 1 variant allele.
Comment: NDUFB10: BP4, BP7